The following is an entry in ClinVar:

NM_022489.4(INF2):c.3694+8A>C

Gene: INF2 (inverted formin 2; plus strand). Cytogenetic location: 14q32.33.
Variant type: single nucleotide variant.
Coding change: c.3694+8A>C on transcript NM_022489.4 (MANE Select); 8 bases into the intron after coding-DNA position 3694, A replaced by C.
Molecular consequence: intron variant.
Genome position (GRCh38, 1-based): chr14:104,714,864, A>C. VCF-style: chr14-104714864-A-C. GRCh37 (hg19) VCF-style: chr14-105181201-A-C.
Other names: c.3694+8A>C (NM_001031714.4).
Identifiers: ClinVar variation 736100 (VCV000736100.10), dbSNP rs1595180626, ClinGen allele CA915946467.
Genomic context (GRCh38, chr14:104,714,864, plus strand): 5'-CTCAAAGGGGACCGGGAAGCGAAGGAAGAAGCGTCCCTCCAGGAGCCAGGAAGGTAACTC[A>C]GGGAGGGGCCCCGGGCACCGTCCCACGCCAGGGCGCTGGCACCCAGCCGGTCCCTCCCCT-3'

ClinVar aggregate classification (germline): Likely benign. Review status: criteria provided, multiple submitters, no conflicts (2 of 4 stars). 2 submissions from 2 submitters: Likely benign (2). Last evaluated 2025-02-28.

Conditions:
INF2-related disorder. Also called: INF2-related condition.
Charcot-Marie-Tooth disease dominant intermediate E. Also called: CHARCOT-MARIE-TOOTH NEUROPATHY WITH FOCAL SEGMENTAL GLOMERULONEPHRITIS. Identifiers: Orphanet 93114, MedGen C4302667, MONDO:0013758, OMIM 614455.
Focal segmental glomerulosclerosis 5 (FSGS5). Identifiers: Orphanet 656, MedGen C2750475, MONDO:0013191, OMIM 613237.

Submissions (2):

PreventionGenetics, part of Exact Sciences
Classification: Likely benign for INF2-related condition. Last evaluated: 2025-02-28. Review status: criteria provided, single submitter. Criteria: ACMG Guidelines, 2015. Collection method: clinical testing. Allele origin: germline.
Comment: This variant is classified as likely benign based on ACMG/AMP sequence variant interpretation guidelines (Richards et al. 2015 PMID: 25741868, with internal and published modifications).

Labcorp Genetics (formerly Invitae), Labcorp
Classification: Likely benign for Charcot-Marie-Tooth disease dominant intermediate E; Focal segmental glomerulosclerosis 5. Last evaluated: 2018-04-23. Review status: criteria provided, single submitter. Criteria: Invitae Variant Classification Sherloc (09022015). Collection method: clinical testing. Allele origin: germline.